The following is an entry in ClinVar:

ClinVar aggregate classification (germline): Uncertain significance (1 of 4 stars; one submission).

Submission:

Ambry Genetics
Classification: Uncertain significance. Last evaluated: 2026-03-13. Review status: criteria provided, single submitter. Criteria: Ambry Variant Classification Scheme 2023. Collection method: clinical testing. Allele origin: germline.
Comment: The p.C987G variant (also known as c.2959T>G), located in coding exon 1 of the TET2 gene, results from a T to G substitution at nucleotide position 2959. The cysteine at codon 987 is replaced by glycine, an amino acid with highly dissimilar properties. This amino acid position is conserved. In addition, this alteration is predicted to be tolerated by in silico analysis. Based on the available evidence, the clinical significance of this variant remains unclear.

NM_001127208.3(TET2):c.2959T>G (p.Cys987Gly)

Genes: TET2 (tet methylcytosine dioxygenase 2; plus strand), TET2-AS1 (TET2 antisense RNA 1; minus strand). Cytogenetic location: 4q24.
Variant type: single nucleotide variant.
Coding change: c.2959T>G on transcript NM_001127208.3 (MANE Select); coding-DNA position 2959, T replaced by G.
Protein change: p.Cys987Gly; replaces cysteine 987 with glycine.
Molecular consequence: missense variant.
Genome position (GRCh38, 1-based): chr4:105,236,901, T>G. VCF-style: chr4-105236901-T-G. GRCh37 (hg19) VCF-style: chr4-106158058-T-G.
Other names: c.2959T>G, p.Cys987Gly (NM_017628.4); short protein forms C987G.
Identifiers: ClinVar variation 4827266 (VCV004827266.1).